The following is an entry in ClinVar:

ClinVar aggregate classification (germline): Conflicting classifications of pathogenicity. Review status: criteria provided, conflicting classifications (1 of 4 stars). 3 submissions from 3 submitters: Uncertain significance (1); Likely benign (1). 1 of the submissions does not count toward it. Last evaluated 2025-08-23.

Conditions:
SLC10A2-related disorder. Also called: SLC10A2-related condition.

Allele frequency attached by ClinVar (database versions not stated): gnomAD exomes 0.00006; ExAC 0.00009; ESP Exome Variant Server 0.00023; gnomAD 0.00024; TOPMed 0.00027; 1000 Genomes Project 0.00060; 1000 Genomes Project 30x 0.00062.
gnomAD v4.1: 91 of 1,611,120 alleles (0.0056%); highest among the groups gnomAD compares: African/African-American, 0.11%; no homozygotes.

Submissions (3):

Labcorp Genetics (formerly Invitae), Labcorp
Classification: Likely benign. Last evaluated: 2025-08-23. Review status: criteria provided, single submitter. Criteria: Invitae Variant Classification Sherloc (09022015). Collection method: clinical testing. Allele origin: germline.

Eurofins Ntd Llc (ga)
Classification: Uncertain significance. Last evaluated: 2017-10-09. Review status: criteria provided, single submitter. Criteria: EGL Classification Definitions 2015. Collection method: clinical testing. Allele origin: germline. Observed: 1 variant allele, 1 heterozygote.

PreventionGenetics, part of Exact Sciences
Classification: Likely benign for SLC10A2-related condition. Last evaluated: 2023-11-07. Review status: no assertion criteria provided. Collection method: clinical testing. Allele origin: germline. Not counted in ClinVar's aggregate classification.
Comment: This variant is classified as likely benign based on ACMG/AMP sequence variant interpretation guidelines (Richards et al. 2015 PMID: 25741868, with internal and published modifications).

NM_000452.3(SLC10A2):c.561C>G (p.Pro187=)

Gene: SLC10A2 (solute carrier family 10 member 2; minus strand). Cytogenetic location: 13q33.1.
Variant type: single nucleotide variant.
Coding change: c.561C>G on transcript NM_000452.3 (MANE Select); coding-DNA position 561, C replaced by G.
Protein change: p.Pro187=; no amino-acid change (proline 187 retained).
Molecular consequence: synonymous variant.
Genome position (GRCh38, 1-based): chr13:103,052,644, G>C on the plus strand (C>G on the coding strand, the complement: SLC10A2 is on the minus strand). VCF-style: chr13-103052644-G-C. GRCh37 (hg19) VCF-style: chr13-103704994-G-C.
Other names: c.561C>G (NM_000452.2).
Identifiers: ClinVar variation 594450 (VCV000594450.11), dbSNP rs139517943, ClinGen allele CA7042157.
Genomic context (GRCh38, chr13:103,052,644, plus strand): 5'-AGTGGAATATTTAATGGTGTGAACTGGGATACTTACTTTAAGTATGATCTTTGCTTTTTG[G>C]GGCCATTTGTGATTAACAAACATTCCAATGGAAACAGGAACAACGAGAGAAACCAGAGAT-3'
Protein context (NP_000443.2, residues 177-197): SIGMFVNHKW[Pro187=]QKAKIILKIG